The following is an entry in ClinVar:

ClinVar aggregate classification (germline): Likely pathogenic (1 of 4 stars; one submission).

Conditions:
Familial hypokalemia-hypomagnesemia (GTLMNS). Also called: HYPOMAGNESEMIA-HYPOKALEMIA, PRIMARY RENOTUBULAR, WITH HYPOCALCIURIA; POTASSIUM AND MAGNESIUM DEPLETION; gitelman syndrome. Identifiers: Orphanet 358, MedGen C0268450, MONDO:0009904, OMIM 263800.

Submission:

Natera, Inc.
Classification: Likely pathogenic for Gitelman syndrome. Last evaluated: 2024-08-13. Review status: criteria provided, single submitter. Criteria: Natera Variant Classification Schema (03/2026). Collection method: clinical testing. Allele origin: germline.
Comment: The c.742del variant in SLC12A3 is a frameshift variant predicted to shift the reading frame beginning at codon 248 and leads to a stop codon 54 codons downstream. This variant is expected to result in nonsense mediated decay, truncation, or a dysfunctional protein product. This variant is rare in the general population with a frequency below the threshold expected for the associated phenotype(s). Given the available evidence, this variant is classified as Likely Pathogenic.

NM_000339.2(SLC12A3):c.742del

Gene: SLC12A3 (solute carrier family 12 member 3; plus strand). Cytogenetic location: 16q13.
Variant type: Deletion.
Coding change: c.742del on transcript NM_000339.2; coding-DNA position 742, one base deleted (G; older notation c.742delG).
Genome position (GRCh38, 1-based): chr16:56,870,626, G deleted; the last of 2 consecutive G bases (chr16:56,870,625-56,870,626); deleting either gives the same sequence. VCF-style (leftmost placement, unchanged base first): chr16-56870624-AG-A. GRCh37 (hg19) VCF-style: chr16-56904536-AG-A.
Identifiers: ClinVar variation 4818216 (VCV004818216.1).